The following is an entry in ClinVar:

NM_181882.3(PRX):c.2669G>A (p.Gly890Glu)

Gene: PRX (periaxin; minus strand). Cytogenetic location: 19q13.2.
Variant type: single nucleotide variant.
Coding change: c.2669G>A on transcript NM_181882.3 (MANE Select); coding-DNA position 2669, G replaced by A.
Protein change: p.Gly890Glu; replaces glycine 890 with glutamic acid.
Molecular consequence: missense variant. On other transcripts: 3 prime UTR variant (1).
Genome position (GRCh38, 1-based): chr19:40,395,683, C>T on the plus strand (G>A on the coding strand, the complement: PRX is on the minus strand). VCF-style: chr19-40395683-C-T. GRCh37 (hg19) VCF-style: chr19-40901590-C-T.
Other names: c.2954G>A, p.Gly985Glu (NM_001411127.1); c.*2874G>A (NM_020956.2); short protein forms G890E, G985E.
Identifiers: ClinVar variation 1794523 (VCV001794523.2), dbSNP rs1033917570, ClinGen allele CA308417966.

ClinVar aggregate classification (germline): Uncertain significance (1 of 4 stars; one submission).

Conditions:
Inborn genetic diseases. Identifiers: MedGen C0950123, MeSH D030342.

Allele frequency attached by ClinVar (database versions not stated): gnomAD 0.00001.
gnomAD v4.1: 3 of 1,614,030 alleles (0.00019%); highest among the groups gnomAD compares: Admixed American, 0.0017%; no homozygotes.

Submission:

Ambry Genetics
Classification: Uncertain significance for Inborn genetic diseases. Last evaluated: 2021-11-24. Review status: criteria provided, single submitter. Criteria: Ambry Variant Classification Scheme 2023. Collection method: clinical testing. Allele origin: germline.
Comment: The p.G890E variant (also known as c.2669G>A), located in coding exon 4 of the PRX gene, results from a G to A substitution at nucleotide position 2669. The glycine at codon 890 is replaced by glutamic acid, an amino acid with similar properties. This amino acid position is conserved. In addition, this alteration is predicted to be tolerated by in silico analysis. Since supporting evidence is limited at this time, the clinical significance of this alteration remains unclear.